The following is an entry in ClinVar:

ClinVar aggregate classification (germline): Benign. Review status: criteria provided, multiple submitters, no conflicts (2 of 4 stars). 2 submissions from 2 submitters: Benign (2). Last evaluated 2020-07-15.

Allele frequency attached by ClinVar (database versions not stated): 1000 Genomes Project 0.01697; 1000 Genomes Project 30x 0.01733; TOPMed 0.03019; gnomAD exomes 0.03570; gnomAD 0.03648 and 0.03669; ExAC 0.05002.
gnomAD v4.1: 65,885 of 1,386,522 alleles (4.8%); highest among the groups gnomAD compares: Non-Finnish European, 5.4%; 1,823 homozygotes.

Submissions (2):

GeneDx
Classification: Benign. Last evaluated: 2020-07-15. Review status: criteria provided, single submitter. Criteria: GeneDx Variant Classification Process June 2021. Collection method: clinical testing. Allele origin: germline. Affected: yes.
Comment: This variant is associated with the following publications: (PMID: 32155011)

Breakthrough Genomics
Classification: Benign. Review status: criteria provided, single submitter. Criteria: ACMG Guidelines, 2015. Collection method: not provided. Allele origin: germline. Inheritance: Autosomal dominant inheritance. Affected: yes.

NM_199461.4(NANOS1):c.100C>A (p.Pro34Thr)

Gene: NANOS1 (nanos C2HC-type zinc finger 1; plus strand). Cytogenetic location: 10q26.11.
Variant type: single nucleotide variant.
Coding change: c.100C>A on transcript NM_199461.4 (MANE Select); coding-DNA position 100, C replaced by A.
Protein change: p.Pro34Thr; replaces proline 34 with threonine.
Molecular consequence: missense variant.
Genome position (GRCh38, 1-based): chr10:119,029,901, C>A. VCF-style: chr10-119029901-C-A. GRCh37 (hg19) VCF-style: chr10-120789413-C-A.
Other names: short protein forms P34T.
Identifiers: ClinVar variation 1233504 (VCV001233504.4), dbSNP rs191267549, ClinGen allele CA5712745.